The following is an entry in ClinVar:

NM_017739.4(POMGNT1):c.1042G>A (p.Val348Met)

Genes: POMGNT1 (protein O-linked mannose N-acetylglucosaminyltransferase 1 (beta 1,2-); minus strand), TSPAN1 (tetraspanin 1; plus strand). Cytogenetic location: 1p34.1.
Variant type: single nucleotide variant.
Coding change: c.1042G>A on transcript NM_017739.4 (MANE Select); coding-DNA position 1042, G replaced by A.
Protein change: p.Val348Met; replaces valine 348 with methionine.
Molecular consequence: missense variant.
Genome position (GRCh38, 1-based): chr1:46,193,373, C>T on the plus strand (G>A on the coding strand, the complement: POMGNT1 is on the minus strand). VCF-style: chr1-46193373-C-T. GRCh37 (hg19) VCF-style: chr1-46659045-C-T.
Other names: c.1042G>A, p.Val348Met (NM_001243766.2, NM_001410783.1); c.976G>A, p.Val326Met (NM_001290129.3); c.613G>A, p.Val205Met (NM_001290130.2); short protein forms V326M, V205M, V348M.
Identifiers: ClinVar variation 1384571 (VCV001384571.6), dbSNP rs2148192741, ClinGen allele CA340180165.

ClinVar aggregate classification (germline): Uncertain significance (1 of 4 stars; one submission).

Conditions:
Autosomal recessive limb-girdle muscular dystrophy type 2O. Also called: Limb-Girdle Muscular Dystrophy Type 3C; MUSCULAR DYSTROPHY-DYSTROGLYCANOPATHY (LIMB-GIRDLE), TYPE C, 3; MUSCULAR DYSTROPHY-DYSTROGLYCANOPATHY, LIMB-GIRDLE, POMGNT1-RELATED. Identifiers: Orphanet 206564, MedGen C3150417, MONDO:0013161, OMIM 613157.
Muscular dystrophy-dystroglycanopathy (congenital with impaired intellectual development), type B, 3. Also called: MUSCULAR DYSTROPHY, CONGENITAL, POMGNT1-RELATED; Muscular dystrophy-dystroglycanopathy (congenital with intellectual disability), type B3. Identifiers: MedGen C3150412, MONDO:0013155, OMIM 613151.

gnomAD v4.1: 1 of 1,612,940 alleles (0.000062%); highest among the groups gnomAD compares: Non-Finnish European, 0.000085%; no homozygotes.

Submission:

Labcorp Genetics (formerly Invitae), Labcorp
Classification: Uncertain significance for Autosomal recessive limb-girdle muscular dystrophy type 2O; Muscular dystrophy-dystroglycanopathy (congenital with impaired intellectual development), type B, 3. Last evaluated: 2021-10-22. Review status: criteria provided, single submitter. Criteria: Invitae Variant Classification Sherloc (09022015). Collection method: clinical testing. Allele origin: germline.
Comment: Advanced modeling of protein sequence and biophysical properties (such as structural, functional, and spatial information, amino acid conservation, physicochemical variation, residue mobility, and thermodynamic stability) performed at Invitae indicates that this missense variant is not expected to disrupt POMGNT1 protein function. In summary, the available evidence is currently insufficient to determine the role of this variant in disease. Therefore, it has been classified as a Variant of Uncertain Significance. This variant has not been reported in the literature in individuals affected with POMGNT1-related conditions. This variant is not present in population databases (gnomAD no frequency). This sequence change replaces valine, which is neutral and non-polar, with methionine, which is neutral and non-polar, at codon 348 of the POMGNT1 protein (p.Val348Met).